The following is an entry in ClinVar:

ClinVar aggregate classification (germline): Uncertain significance (1 of 4 stars; one submission).

Submission:

GeneDx
Classification: Uncertain significance. Last evaluated: 2025-05-14. Review status: criteria provided, single submitter. Criteria: GeneDx Variant Classification Process June 2021. Collection method: clinical testing. Allele origin: germline. Affected: yes.
Comment: Not observed at significant frequency in large population cohorts (gnomAD); Has not been previously published as pathogenic or benign to our knowledge; Located in a regulatory region; in the absence of functional studies, the actual effect of this sequence change is unknown

NM_007078.3(LDB3):c.*4G>T

Gene: LDB3 (LIM domain binding 3; plus strand). Cytogenetic location: 10q23.2.
Variant type: single nucleotide variant.
Coding change: c.*4G>T on transcript NM_007078.3 (MANE Select); 4 bases downstream of the stop codon, G replaced by T.
Molecular consequence: 3 prime UTR variant.
Genome position (GRCh38, 1-based): chr10:86,732,980, G>T. VCF-style: chr10-86732980-G-T. GRCh37 (hg19) VCF-style: chr10-88492737-G-T.
Other names: c.*4G>T (NM_001080114.2, NM_001171610.2, NM_001368064.1 and 2 more transcripts).
Identifiers: ClinVar variation 4529906 (VCV004529906.1).